The following is an entry in ClinVar:

ClinVar aggregate classification (germline): Likely benign (1 of 4 stars; one submission).

Conditions:
Generalized juvenile polyposis/juvenile polyposis coli. Also called: Juvenile polyposis coli. Identifiers: Orphanet 329971, MedGen C1868081, MONDO:0008276.

Submission:

Labcorp Genetics (formerly Invitae), Labcorp
Classification: Likely benign for Juvenile polyposis syndrome. Last evaluated: 2015-08-28. Review status: criteria provided, single submitter. Criteria: Invitae Variant Classification Sherloc (09022015). Collection method: clinical testing. Allele origin: germline.
Comment: Data suggest that this duplication is the result of a processed mRNA transcript that has inserted into the genome, also known as a processed pseudogene or retrotransposition event. This retrocopy insertion has been determined to be on chromosome 9 and is not expected impact the SMAD4 gene located on chromosome 18. This sequence change has been reported in the literature and is not reported in population databases. A SMAD4 retrotransposon has been reported on chromosome 9 in two samples from a control population but the exact insertion site and orientation of the retrocopy were not described (PMID: 24026178). The functional impact of a retrocopy depends on multiple factors, including the exons involved, the flanking sequence, and genomic location (PMID: 23359205, 23497673, 18842134). A series of experiments designed to determine the exact location has confirmed insertion of this SMAD4 retrocopy including exons 1-12 into the last intron of SCAI gene on chromosome 9 (Invitae data) and therefore it is not expected to interfere with SMAD4 gene function. Because this retrotransposition lies outside the SMAD4 locus, it has been classified as Likely Benign for SMAD4.

NM_005359.5(SMAD4):c.(?_-1)_249+?dup

Gene: SMAD4 (SMAD family member 4; plus strand). Cytogenetic location: 18q21.2.
Variant type: Duplication.
Other names: c.(?_-1)_249+?dup (LRG_318t1).
Identifiers: ClinVar variation 136071 (VCV000136071.1).